The following is an entry in ClinVar:

NM_001013641.3(TMEM82):c.922C>T (p.Leu308=)

Genes: SLC25A34-AS1 (SLC25A34 and TMEM82 antisense RNA 1; minus strand), TMEM82 (transmembrane protein 82; plus strand). Cytogenetic location: 1p36.21.
Variant type: single nucleotide variant.
Coding change: c.922C>T on transcript NM_001013641.3 (MANE Select); coding-DNA position 922, C replaced by T.
Protein change: p.Leu308=; no amino-acid change (leucine 308 retained).
Molecular consequence: synonymous variant.
Genome position (GRCh38, 1-based): chr1:15,747,031, C>T. VCF-style: chr1-15747031-C-T. GRCh37 (hg19) VCF-style: chr1-16073526-C-T.
Identifiers: ClinVar variation 2638296 (VCV002638296.24), dbSNP rs765742412, ClinGen allele CA18279520.

ClinVar aggregate classification (germline): Likely benign (1 of 4 stars; one submission).

Allele frequency attached by ClinVar (database versions not stated): gnomAD exomes below 0.00001; TOPMed 0.01636.
gnomAD v4.1: 1 of 1,604,308 alleles (0.000062%); highest among the groups gnomAD compares: Non-Finnish European, 0.000085%; no homozygotes.

Submission:

CeGaT Center for Human Genetics Tuebingen
Classification: Likely benign. Last evaluated: 2025-03-01. Review status: criteria provided, single submitter. Criteria: CeGaT Center For Human Genetics Tuebingen Variant Classification Criteria Version 2. Collection method: clinical testing. Allele origin: germline. Affected: yes. Observed: 11 variant alleles.
Comment: TMEM82: BP4, BP7